The following is an entry in ClinVar:

NM_006946.4(SPTBN2):c.5731C>T (p.Arg1911Cys)

Gene: SPTBN2 (spectrin beta, non-erythrocytic 2; minus strand). Cytogenetic location: 11q13.2.
Variant type: single nucleotide variant.
Coding change: c.5731C>T on transcript NM_006946.4 (MANE Select); coding-DNA position 5731, C replaced by T.
Protein change: p.Arg1911Cys; replaces arginine 1911 with cysteine.
Molecular consequence: missense variant.
Genome position (GRCh38, 1-based): chr11:66,690,118, G>A on the plus strand (C>T on the coding strand, the complement: SPTBN2 is on the minus strand). VCF-style: chr11-66690118-G-A. GRCh37 (hg19) VCF-style: chr11-66457589-G-A.
Other names: c.5752C>T, p.Arg1918Cys (NM_001411025.1); c.5731C>T, p.Arg1911Cys (NM_001437541.1); short protein forms R1911C, R1918C.
Identifiers: ClinVar variation 5038615 (VCV005038615.1).

ClinVar aggregate classification (germline): Uncertain significance (1 of 4 stars; one submission).

gnomAD v4.1: 35 of 1,614,140 alleles (0.0022%); highest among the groups gnomAD compares: Admixed American, 0.0033%; no homozygotes.

Submission:

CeGaT Center for Human Genetics Tuebingen
Classification: Uncertain significance. Last evaluated: 2026-08-01. Review status: criteria provided, single submitter. Criteria: CeGaT Center For Human Genetics Tuebingen Variant Classification Criteria Version 2. Collection method: clinical testing. Allele origin: germline. Affected: yes. Observed: 1 variant allele.
Comment: SPTBN2: PM2